The following is an entry in ClinVar:

ClinVar aggregate classification (germline): Uncertain significance. Review status: criteria provided, multiple submitters, no conflicts (2 of 4 stars). 4 submissions from 4 submitters: Uncertain significance (4). Last evaluated 2025-12-04.

Conditions:
RIPOR2-related disorder. Also called: RIPOR2-related condition.

Allele frequency attached by ClinVar (database versions not stated): ExAC 0.00022; gnomAD 0.00025; TOPMed 0.00046; 1000 Genomes Project 0.00120; 1000 Genomes Project 30x 0.00141.
gnomAD v4.1: 65 of 1,552,144 alleles (0.0042%); highest among the groups gnomAD compares: Admixed American, 0.1%; 1 homozygote.

Submissions (4):

PreventionGenetics, part of Exact Sciences
Classification: Uncertain significance for RIPOR2-related condition. Last evaluated: 2025-12-04. Review status: criteria provided, single submitter. Criteria: ACMG Guidelines, 2015. Collection method: clinical testing. Allele origin: germline.
Comment: The RIPOR2 c.2782A>G variant is predicted to result in the amino acid substitution p.Met928Val. To our knowledge, this variant has not been reported in the literature. This variant is reported in 0.036% of alleles in individuals of Latino descent in gnomAD. At this time, the clinical significance of this variant is uncertain due to the absence of conclusive functional and genetic evidence.

Ambry Genetics
Classification: Uncertain significance. Last evaluated: 2025-08-10. Review status: criteria provided, single submitter. Criteria: Ambry Variant Classification Scheme 2023. Collection method: clinical testing. Allele origin: germline.

Labcorp Genetics (formerly Invitae), Labcorp
Classification: Uncertain significance. Last evaluated: 2025-05-01. Review status: criteria provided, single submitter. Criteria: Invitae Variant Classification Sherloc (09022015). Collection method: clinical testing. Allele origin: germline.
Comment: This sequence change replaces methionine, which is neutral and non-polar, with valine, which is neutral and non-polar, at codon 928 of the FAM65B protein (p.Met928Val). This variant is present in population databases (rs559836162, gnomAD 0.04%). This variant has not been reported in the literature in individuals affected with FAM65B-related conditions. ClinVar contains an entry for this variant (Variation ID: 2055215). An algorithm developed to predict the effect of missense changes on protein structure and function outputs the following: PolyPhen-2: "Benign". The valine amino acid residue is found in multiple mammalian species, which suggests that this missense change does not adversely affect protein function. In summary, the available evidence is currently insufficient to determine the role of this variant in disease. Therefore, it has been classified as a Variant of Uncertain Significance.

GeneDx
Classification: Uncertain significance. Last evaluated: 2024-12-02. Review status: criteria provided, single submitter. Criteria: GeneDx Variant Classification Process June 2021. Collection method: clinical testing. Allele origin: germline. Affected: yes.
Comment: In silico analysis indicates that this missense variant does not alter protein structure/function; Has not been previously published as pathogenic or benign to our knowledge; Variants in candidate genes are classified as variants of uncertain significance in accordance with ACMG guidelines (PMID: 25741868)

NM_001286445.3(RIPOR2):c.2719A>G (p.Met907Val)

Gene: RIPOR2 (RHO family interacting cell polarization regulator 2; minus strand). Cytogenetic location: 6p22.3.
Variant type: single nucleotide variant.
Coding change: c.2719A>G on transcript NM_001286445.3 (MANE Select); coding-DNA position 2719, A replaced by G.
Protein change: p.Met907Val; replaces methionine 907 with valine.
Molecular consequence: missense variant.
Genome position (GRCh38, 1-based): chr6:24,825,375, T>C on the plus strand (A>G on the coding strand, the complement: RIPOR2 is on the minus strand). VCF-style: chr6-24825375-T-C. GRCh37 (hg19) VCF-style: chr6-24825603-T-C.
Other names: c.2782A>G (NM_014722.2, NM_014722.4, NM_014722.3); c.2632A>G, p.Met878Val (NM_001346031.2, NM_001346032.2); c.2782A>G, p.Met928Val (NM_014722.5); short protein forms M907V, M928V, M878V.
Identifiers: ClinVar variation 2055215 (VCV002055215.7), dbSNP rs559836162, ClinGen allele CA3659078.